The following is an entry in ClinVar:

ClinVar aggregate classification (germline): Likely pathogenic (1 of 4 stars; one submission).

Conditions:
Glycine encephalopathy. Also called: Nonketotic hyperglycinemia; Non-ketotic hyperglycinemia. Identifiers: Orphanet 407, MedGen C0751748, MONDO:0011612, HP:0008288.

Submission:

Labcorp Genetics (formerly Invitae), Labcorp
Classification: Likely pathogenic for Glycine encephalopathy. Last evaluated: 2022-05-14. Review status: criteria provided, single submitter. Criteria: Invitae Variant Classification Sherloc (09022015). Collection method: clinical testing. Allele origin: germline.
Comment: In summary, the currently available evidence indicates that the variant is pathogenic, but additional data are needed to prove that conclusively. Therefore, this variant has been classified as Likely Pathogenic. This variant disrupts the p.Leu716 amino acid residue in GLDC. Other variant(s) that disrupt this residue have been determined to be pathogenic (PMID: 27362913). This suggests that this residue is clinically significant, and that variants that disrupt this residue are likely to be disease-causing. Advanced modeling of protein sequence and biophysical properties (such as structural, functional, and spatial information, amino acid conservation, physicochemical variation, residue mobility, and thermodynamic stability) performed at Invitae indicates that this missense variant is expected to disrupt GLDC protein function. This variant has not been reported in the literature in individuals affected with GLDC-related conditions. This variant is not present in population databases (gnomAD no frequency). This sequence change replaces leucine, which is neutral and non-polar, with phenylalanine, which is neutral and non-polar, at codon 716 of the GLDC protein (p.Leu716Phe).

Literature cited by the submitters: PubMed 27362913.

NM_000170.3(GLDC):c.2146C>T (p.Leu716Phe)

Gene: GLDC (glycine decarboxylase; minus strand). Cytogenetic location: 9p24.1.
Variant type: single nucleotide variant.
Coding change: c.2146C>T on transcript NM_000170.3 (MANE Select); coding-DNA position 2146, C replaced by T.
Protein change: p.Leu716Phe; replaces leucine 716 with phenylalanine.
Molecular consequence: missense variant.
Genome position (GRCh38, 1-based): chr9:6,556,209, G>A on the plus strand (C>T on the coding strand, the complement: GLDC is on the minus strand). VCF-style: chr9-6556209-G-A. GRCh37 (hg19) VCF-style: chr9-6556209-G-A.
Other names: short protein forms L716F.
Identifiers: ClinVar variation 1994478 (VCV001994478.4), dbSNP rs2489036296, ClinGen allele CA372881274.